The following is an entry in ClinVar:

NM_001876.4(CPT1A):c.733C>T (p.Arg245Ter)

Gene: CPT1A (carnitine palmitoyltransferase 1A; minus strand). Cytogenetic location: 11q13.3.
Variant type: single nucleotide variant.
Coding change: c.733C>T on transcript NM_001876.4 (MANE Select); coding-DNA position 733, C replaced by T.
Protein change: p.Arg245Ter; replaces arginine 245 with a stop codon.
Molecular consequence: nonsense.
Genome position (GRCh38, 1-based): chr11:68,796,894, G>A on the plus strand (C>T on the coding strand, the complement: CPT1A is on the minus strand). VCF-style: chr11-68796894-G-A. GRCh37 (hg19) VCF-style: chr11-68564362-G-A.
Other names: c.733C>T, p.Arg245Ter (NM_001031847.3); short protein forms R245*.
Identifiers: ClinVar variation 972353 (VCV000972353.18), dbSNP rs767241290, ClinGen allele CA6152553.

ClinVar aggregate classification (germline): Pathogenic. Review status: criteria provided, multiple submitters, no conflicts (2 of 4 stars). 3 submissions from 3 submitters: Pathogenic (3). Last evaluated 2026-01-12.

Conditions:
Carnitine palmitoyl transferase 1A deficiency. Also called: CPT deficiency, hepatic, type IA; CPT I DEFICIENCY; CPT DEFICIENCY, HEPATIC, TYPE I; Carnitine palmitoyltransferase 1A deficiency; Carnitine palmitoyltransferase type I deficiency. Identifiers: Orphanet 156, MedGen C1829703, MONDO:0009705, OMIM 255120.

Allele frequency attached by ClinVar (database versions not stated): gnomAD below 0.00001 and 0.00001; gnomAD exomes below 0.00001 and 0.00001; ExAC 0.00001.
gnomAD v4.1: 13 of 1,613,932 alleles (0.00081%); highest among the groups gnomAD compares: South Asian, 0.0044%; no homozygotes.

Submissions (3):

Natera, Inc.
Classification: Pathogenic for Carnitine palmitoyltransferase type I deficiency. Last evaluated: 2026-01-12. Review status: criteria provided, single submitter. Criteria: Natera Variant Classification Schema (03/2026). Collection method: clinical testing. Allele origin: germline.
Comment: The c.733C>T variant in CPT1A is a nonsense variant predicted to introduce a stop codon at amino acid 245. This variant is expected to result in nonsense mediated decay, truncation, or a dysfunctional protein product. This variant is rare in the general population with a frequency below the threshold expected for the associated phenotype(s). This variant has been observed in one or more individuals affected with the associated recessive disease, as either homozygous or compound heterozygous with a second variant (PMID: 28468868). Given the available evidence, this variant is classified as Pathogenic.

Labcorp Genetics (formerly Invitae), Labcorp
Classification: Pathogenic for Carnitine palmitoyl transferase 1A deficiency. Last evaluated: 2024-11-27. Review status: criteria provided, single submitter. Criteria: Invitae Variant Classification Sherloc (09022015). Collection method: clinical testing. Allele origin: germline.
Comment: This sequence change creates a premature translational stop signal (p.Arg245*) in the CPT1A gene. It is expected to result in an absent or disrupted protein product. Loss-of-function variants in CPT1A are known to be pathogenic (PMID: 16169268). This variant is present in population databases (rs767241290, gnomAD 0.003%). This premature translational stop signal has been observed in individual(s) with carnitine palmitoyltransferase 1A deficiency (PMID: 28468868). ClinVar contains an entry for this variant (Variation ID: 972353). For these reasons, this variant has been classified as Pathogenic.

Myriad Genetics, Inc.
Classification: Pathogenic for Carnitine palmitoyl transferase 1A deficiency. Last evaluated: 2021-11-11. Review status: criteria provided, single submitter. Criteria: Myriad Women's Health Autosomal Recessive and X-Linked Classification Criteria (2021). Collection method: clinical testing. Allele origin: unknown.
Comment: NM_001876.3(CPT1A):c.733C>T(R245*) is a nonsense variant classified as pathogenic in the context of carnitine palmitoyltransferase IA deficiency. R245* has been observed in cases with relevant disease (PMID: 28468868). Functional assessments of this variant are not available in the literature. R245* has been observed in population frequency databases (gnomAD: SAS 0.02%). NM_001876.3(CPT1A):c.733C>T(R245*) is a nonsense variant in a gene where loss of function is a known mechanism of disease, is predicted to disrupt protein function, and has been observed more frequently in cases with the relevant disease than in healthy populations. Please note: this variant was assessed in the context of healthy population screening.

Literature cited by the submitters: PubMed 28468868 (cited by 3 submitters); PubMed 16169268 (cited by Labcorp Genetics (formerly Invitae), Labcorp).